The following is an entry in ClinVar:

NM_024928.5(STN1):c.585T>G (p.Asn195Lys)

Gene: STN1 (STN1 subunit of CST complex; minus strand). Cytogenetic location: 10q24.33.
Variant type: single nucleotide variant.
Coding change: c.585T>G on transcript NM_024928.5 (MANE Select); coding-DNA position 585, T replaced by G.
Protein change: p.Asn195Lys; replaces asparagine 195 with lysine.
Molecular consequence: missense variant.
Genome position (GRCh38, 1-based): chr10:103,897,716, A>C on the plus strand (T>G on the coding strand, the complement: STN1 is on the minus strand). VCF-style: chr10-103897716-A-C. GRCh37 (hg19) VCF-style: chr10-105657474-A-C.
Other names: short protein forms N195K.
Identifiers: ClinVar variation 3685685 (VCV003685685.2).

ClinVar aggregate classification (germline): Uncertain significance (1 of 4 stars; one submission).

gnomAD v4.1: 2 of 1,614,034 alleles (0.00012%); highest among the groups gnomAD compares: South Asian, 0.0022%; no homozygotes.

Submission:

Labcorp Genetics (formerly Invitae), Labcorp
Classification: Uncertain significance. Last evaluated: 2024-09-19. Review status: criteria provided, single submitter. Criteria: Invitae Variant Classification Sherloc (09022015). Collection method: clinical testing. Allele origin: germline.
Comment: This sequence change replaces asparagine, which is neutral and polar, with lysine, which is basic and polar, at codon 195 of the STN1 protein (p.Asn195Lys). This variant is present in population databases (no rsID available, gnomAD 0.003%). This variant has not been reported in the literature in individuals affected with STN1-related conditions. An algorithm developed to predict the effect of missense changes on protein structure and function (PolyPhen-2) suggests that this variant is likely to be tolerated. In summary, the available evidence is currently insufficient to determine the role of this variant in disease. Therefore, it has been classified as a Variant of Uncertain Significance.